The following is an entry in ClinVar:

NM_016599.5(MYOZ2):c.386G>A (p.Gly129Glu)

Gene: MYOZ2 (myozenin 2; plus strand). Cytogenetic location: 4q26.
Variant type: single nucleotide variant.
Coding change: c.386G>A on transcript NM_016599.5 (MANE Select); coding-DNA position 386, G replaced by A.
Protein change: p.Gly129Glu; replaces glycine 129 with glutamic acid.
Molecular consequence: missense variant.
Genome position (GRCh38, 1-based): chr4:119,164,220, G>A. VCF-style: chr4-119164220-G-A. GRCh37 (hg19) VCF-style: chr4-120085375-G-A.
Other names: short protein forms G129E.
Identifiers: ClinVar variation 1735681 (VCV001735681.2), dbSNP rs755330029, ClinGen allele CA3058627.

ClinVar aggregate classification (germline): Uncertain significance (1 of 4 stars; one submission).

Conditions:
Cardiovascular phenotype. Identifiers: MedGen CN230736.

Allele frequency attached by ClinVar (database versions not stated): gnomAD exomes below 0.00001; ExAC 0.00001; gnomAD 0.00001; TOPMed 0.00001.

Submission:

Ambry Genetics
Classification: Uncertain significance for Cardiovascular phenotype. Last evaluated: 2018-09-05. Review status: criteria provided, single submitter. Criteria: Ambry Variant Classification Scheme 2023. Collection method: clinical testing. Allele origin: germline.
Comment: The p.G129E variant (also known as c.386G>A), located in coding exon 4 of the MYOZ2 gene, results from a G to A substitution at nucleotide position 386. The glycine at codon 129 is replaced by glutamic acid, an amino acid with similar properties. This alteration has been reported as a secondary cardiac variant in an exome cohort (Ng D et al. Circ Cardiovasc Genet, 2013 Aug;6:337-46). This amino acid position is highly conserved in available vertebrate species. In addition, the in silico prediction for this alteration is inconclusive. Since supporting evidence is limited at this time, the clinical significance of this alteration remains unclear.

Literature cited by the submitters: PubMed 23861362.